The following is an entry in ClinVar:

ClinVar aggregate classification (germline): Uncertain significance. Review status: criteria provided, multiple submitters, no conflicts (2 of 4 stars). 3 submissions from 3 submitters: Uncertain significance (3). Last evaluated 2024-08-26.

Conditions:
Inborn genetic diseases. Identifiers: MedGen C0950123, MeSH D030342.

Allele frequency attached by ClinVar (database versions not stated): gnomAD 0.00004; TOPMed 0.00009.
gnomAD v4.1: 12 of 1,613,114 alleles (0.00074%); highest among the groups gnomAD compares: Admixed American, 0.012%; no homozygotes.

Submissions (3):

Ambry Genetics
Classification: Uncertain significance for Inborn genetic diseases. Last evaluated: 2024-08-26. Review status: criteria provided, single submitter. Criteria: Ambry Variant Classification Scheme 2023. Collection method: clinical testing. Allele origin: germline.

Labcorp Genetics (formerly Invitae), Labcorp
Classification: Uncertain significance. Last evaluated: 2024-01-19. Review status: criteria provided, single submitter. Criteria: Invitae Variant Classification Sherloc (09022015). Collection method: clinical testing. Allele origin: germline.
Comment: This sequence change replaces threonine, which is neutral and polar, with isoleucine, which is neutral and non-polar, at codon 612 of the CACNA2D4 protein (p.Thr612Ile). This variant is present in population databases (no rsID available, gnomAD 0.0009%). This variant has not been reported in the literature in individuals affected with CACNA2D4-related conditions. ClinVar contains an entry for this variant (Variation ID: 1046014). An algorithm developed to predict the effect of missense changes on protein structure and function (PolyPhen-2) suggests that this variant is likely to be disruptive. In summary, the available evidence is currently insufficient to determine the role of this variant in disease. Therefore, it has been classified as a Variant of Uncertain Significance.

Blueprint Genetics
Classification: Uncertain significance. Last evaluated: 2018-07-19. Review status: criteria provided, single submitter. Criteria: ACMG Guidelines, 2015. Collection method: clinical testing. Allele origin: germline.

NM_172364.5(CACNA2D4):c.1835C>T (p.Thr612Ile)

Gene: CACNA2D4 (calcium voltage-gated channel auxiliary subunit alpha2delta 4; minus strand). Cytogenetic location: 12p13.33.
Variant type: single nucleotide variant.
Coding change: c.1835C>T on transcript NM_172364.5 (MANE Select); coding-DNA position 1835, C replaced by T.
Protein change: p.Thr612Ile; replaces threonine 612 with isoleucine.
Molecular consequence: missense variant.
Genome position (GRCh38, 1-based): chr12:1,874,647, G>A on the plus strand (C>T on the coding strand, the complement: CACNA2D4 is on the minus strand). VCF-style: chr12-1874647-G-A. GRCh37 (hg19) VCF-style: chr12-1983813-G-A.
Other names: c.1835C>T (NM_172364.4); short protein forms T612I.
Identifiers: ClinVar variation 1046014 (VCV001046014.8), dbSNP rs757872180, ClinGen allele CA231548617.